The following is an entry in ClinVar:

ClinVar aggregate classification (germline): Uncertain significance. Review status: criteria provided, multiple submitters, no conflicts (2 of 4 stars). 2 submissions from 2 submitters: Uncertain significance (2). Last evaluated 2025-08-30.

Conditions:
Progressive familial heart block type IB (PFHB1B). Identifiers: Orphanet 871, MedGen C1970298, MONDO:0011474, OMIM 604559.

Allele frequency attached by ClinVar (database versions not stated): gnomAD exomes below 0.00001.
gnomAD v4.1: 1 of 1,614,132 alleles (0.000062%); highest among the groups gnomAD compares: East Asian, 0.0022%; no homozygotes.

Submissions (2):

Labcorp Genetics (formerly Invitae), Labcorp
Classification: Uncertain significance for Progressive familial heart block type IB. Last evaluated: 2025-08-30. Review status: criteria provided, single submitter. Criteria: Invitae Variant Classification Sherloc (09022015). Collection method: clinical testing. Allele origin: germline.
Comment: This sequence change replaces threonine, which is neutral and polar, with isoleucine, which is neutral and non-polar, at codon 709 of the TRPM4 protein (p.Thr709Ile). This variant is present in population databases (rs375349363, gnomAD 0.006%). This variant has not been reported in the literature in individuals affected with TRPM4-related conditions. ClinVar contains an entry for this variant (Variation ID: 1442989). An algorithm developed to predict the effect of missense changes on protein structure and function (PolyPhen-2) suggests that this variant is likely to be tolerated. In summary, the available evidence is currently insufficient to determine the role of this variant in disease. Therefore, it has been classified as a Variant of Uncertain Significance.

GeneDx
Classification: Uncertain significance. Last evaluated: 2022-07-18. Review status: criteria provided, single submitter. Criteria: GeneDx Variant Classification Process June 2021. Collection method: clinical testing. Allele origin: germline. Affected: yes.
Comment: Not observed at significant frequency in large population cohorts (gnomAD); In silico analysis supports that this missense variant has a deleterious effect on protein structure/function; Has not been previously published as pathogenic or benign to our knowledge

NM_017636.4(TRPM4):c.2126C>T (p.Thr709Ile)

Gene: TRPM4 (transient receptor potential cation channel subfamily M member 4; plus strand). Cytogenetic location: 19q13.33.
Variant type: single nucleotide variant.
Coding change: c.2126C>T on transcript NM_017636.4 (MANE Select); coding-DNA position 2126, C replaced by T.
Protein change: p.Thr709Ile; replaces threonine 709 with isoleucine.
Molecular consequence: missense variant.
Genome position (GRCh38, 1-based): chr19:49,190,314, C>T. VCF-style: chr19-49190314-C-T. GRCh37 (hg19) VCF-style: chr19-49693571-C-T.
Other names: c.2126C>T, p.Thr709Ile (NM_001195227.2); c.1781C>T, p.Thr594Ile (NM_001321281.2); c.518C>T, p.Thr173Ile (NM_001321282.2); c.1604C>T, p.Thr535Ile (NM_001321283.2); c.1064C>T, p.Thr355Ile (NM_001321285.2); c.2126C>T (NM_017636.3); short protein forms T173I, T594I, T709I, T535I, T355I.
Identifiers: ClinVar variation 1442989 (VCV001442989.6), dbSNP rs375349363, ClinGen allele CA309449917.